The following is an entry in ClinVar:

ClinVar aggregate classification (germline): Pathogenic (1 of 4 stars; one submission).

Conditions:
Dilated cardiomyopathy 1J (CMD1J). Also called: CARDIOMYOPATHY, DILATED, WITH SENSORINEURAL HEARING LOSS, AUTOSOMAL DOMINANT. Identifiers: Orphanet 217622, MedGen C1854368, MONDO:0011541, OMIM 605362.

Submission:

Labcorp Genetics (formerly Invitae), Labcorp
Classification: Pathogenic for Dilated cardiomyopathy 1J. Last evaluated: 2025-10-07. Review status: criteria provided, single submitter. Criteria: Invitae Variant Classification Sherloc (09022015). Collection method: clinical testing. Allele origin: germline.
Comment: This sequence change creates a premature translational stop signal (p.Ser209Ilefs*36) in the EYA4 gene. It is expected to result in an absent or disrupted protein product. Loss-of-function variants in EYA4 are known to be pathogenic (PMID: 11159937, 25781927, 25963406). This variant is not present in population databases (gnomAD no frequency). This variant has not been reported in the literature in individuals affected with EYA4-related conditions. For these reasons, this variant has been classified as Pathogenic.

Literature cited by the submitters: PubMed 11159937; PubMed 25781927; PubMed 25963406.

NM_004100.5(EYA4):c.624_625insA (p.Ser209fs)

Gene: EYA4 (EYA transcriptional coactivator and phosphatase 4; plus strand). Cytogenetic location: 6q23.2.
Variant type: Insertion.
Coding change: c.624_625insA on transcript NM_004100.5 (MANE Select); coding-DNA positions 624 to 625, A inserted.
Protein change: p.Ser209fs; shifts the reading frame from serine 209.
Molecular consequence: frameshift variant.
Genome position: GRCh38 VCF-style: chr6-133462664-T-TA. GRCh37 (hg19) VCF-style: chr6-133783802-T-TA.
Other names: c.624_625insA, p.Ser209fs (NM_172105.4, NM_001301013.2); c.462_463insA, p.Ser155fs (NM_001301012.2, NM_001370459.1); c.555_556insA, p.Ser186fs (NM_001370458.1, NM_172103.4); short protein forms S155fs, S186fs, S209fs.
Identifiers: ClinVar variation 4725597 (VCV004725597.1).
Genomic context (GRCh38, chr6:133,462,664, plus strand): 5'-TTCAATTTTCTGAACAGATTTGGGTGTGATGTTGCCAGCCATCAAGACAGAGAGTGGACT[T>TA]TCCCAAACTCAGTCCCCATTACAGAGTGGCTGCCTCAGTTACAGCCCAGGGTTCTCTACC-3'